The following is an entry in ClinVar:

ClinVar aggregate classification (germline): Uncertain significance (1 of 4 stars; one submission).

Conditions:
Van Maldergem syndrome 2 (VMLDS2). Identifiers: Orphanet 314679, MedGen C3809875, MONDO:0014242, OMIM 615546.
Hennekam lymphangiectasia-lymphedema syndrome 2 (HKLLS2). Identifiers: Orphanet 2136, MedGen C4014939, MONDO:0014454, OMIM 616006.

Submission:

Juno Genomics, Hangzhou Juno Genomics, Inc
Classification: Uncertain significance for Hennekam lymphangiectasia-lymphedema syndrome 2; Van Maldergem syndrome 2. Review status: criteria provided, single submitter. Criteria: ACMG Guidelines, 2015. Collection method: clinical testing. Allele origin: germline.
Comment: Absent from controls (or at extremely low frequency if recessive) in Genome Aggregation Database.;Multiple lines of computational evidence support a deleterious effect on the gene or gene product.

NM_001291303.3(FAT4):c.12308A>T (p.Asp4103Val)

Gene: FAT4 (FAT atypical cadherin 4; plus strand). Cytogenetic location: 4q28.1.
Variant type: single nucleotide variant.
Coding change: c.12308A>T on transcript NM_001291303.3 (MANE Select); coding-DNA position 12308, A replaced by T.
Protein change: p.Asp4103Val; replaces aspartic acid 4103 with valine.
Molecular consequence: missense variant.
Genome position (GRCh38, 1-based): chr4:125,477,163, A>T. VCF-style: chr4-125477163-A-T. GRCh37 (hg19) VCF-style: chr4-126398318-A-T.
Other names: c.12308A>T, p.Asp4103Val (NM_001438396.1, NM_001438397.1, NM_001291285.3); c.12302A>T, p.Asp4101Val (NM_024582.6); c.7079A>T, p.Asp2360Val (NM_001437895.1); short protein forms D4101V, D4103V, D2360V.
Identifiers: ClinVar variation 5006731 (VCV005006731.2).